The following is an entry in ClinVar:

ClinVar aggregate classification (germline): Uncertain significance (1 of 4 stars; one submission).

Conditions:
Developmental and epileptic encephalopathy, 23 (DEE23). Also called: Epileptic encephalopathy, early infantile, 23. Identifiers: Orphanet 411986, MedGen C4014492, MONDO:0014371, OMIM 615859.

gnomAD v4.1: 4 of 1,605,734 alleles (0.00025%); highest among the groups gnomAD compares: South Asian, 0.0045%; no homozygotes.

Submission:

Labcorp Genetics (formerly Invitae), Labcorp
Classification: Uncertain significance for Developmental and epileptic encephalopathy, 23. Last evaluated: 2024-12-02. Review status: criteria provided, single submitter. Criteria: Invitae Variant Classification Sherloc (09022015). Collection method: clinical testing. Allele origin: germline.
Comment: This sequence change replaces serine, which is neutral and polar, with alanine, which is neutral and non-polar, at codon 434 of the DOCK7 protein (p.Ser434Ala). This variant is present in population databases (rs771357124, gnomAD 0.007%). This variant has not been reported in the literature in individuals affected with DOCK7-related conditions. Invitae Evidence Modeling of protein sequence and biophysical properties (such as structural, functional, and spatial information, amino acid conservation, physicochemical variation, residue mobility, and thermodynamic stability) indicates that this missense variant is not expected to disrupt DOCK7 protein function with a negative predictive value of 80%. In summary, the available evidence is currently insufficient to determine the role of this variant in disease. Therefore, it has been classified as a Variant of Uncertain Significance.

NM_001367561.1(DOCK7):c.1300T>G (p.Ser434Ala)

Gene: DOCK7 (dedicator of cytokinesis 7; minus strand). Cytogenetic location: 1p31.3.
Variant type: single nucleotide variant.
Coding change: c.1300T>G on transcript NM_001367561.1 (MANE Select); coding-DNA position 1300, T replaced by G.
Protein change: p.Ser434Ala; replaces serine 434 with alanine.
Molecular consequence: missense variant.
Genome position (GRCh38, 1-based): chr1:62,625,384, A>C on the plus strand (T>G on the coding strand, the complement: DOCK7 is on the minus strand). VCF-style: chr1-62625384-A-C. GRCh37 (hg19) VCF-style: chr1-63091055-A-C.
Other names: c.1300T>G, p.Ser434Ala (NM_001271999.2, NM_001272000.2, NM_001272001.2 and 3 more transcripts); short protein forms S434A.
Identifiers: ClinVar variation 3664977 (VCV003664977.2).